The following is an entry in ClinVar:

NM_000088.4(COL1A1):c.2872C>T (p.Arg958Cys)

Gene: COL1A1 (collagen type I alpha 1 chain; minus strand). Cytogenetic location: 17q21.33.
Variant type: single nucleotide variant.
Coding change: c.2872C>T on transcript NM_000088.4 (MANE Select); coding-DNA position 2872, C replaced by T.
Protein change: p.Arg958Cys; replaces arginine 958 with cysteine.
Molecular consequence: missense variant.
Genome position (GRCh38, 1-based): chr17:50,189,233, G>A on the plus strand (C>T on the coding strand, the complement: COL1A1 is on the minus strand). VCF-style: chr17-50189233-G-A. GRCh37 (hg19) VCF-style: chr17-48266594-G-A.
Other names: short protein forms R958C.
Identifiers: ClinVar variation 2497872 (VCV002497872.2), dbSNP rs992604547, ClinGen allele CA291543149.

ClinVar aggregate classification (germline): Likely pathogenic (1 of 4 stars; one submission).

Allele frequency attached by ClinVar (database versions not stated): TOPMed below 0.00001; gnomAD exomes below 0.00001.

Submission:

GeneDx
Classification: Likely pathogenic. Last evaluated: 2026-07-27. Review status: criteria provided, single submitter. Criteria: GeneDx Variant Classification Process June 2021. Collection method: clinical testing. Allele origin: germline.
Comment: Published functional studies demonstrate destabilization of the triple helix, similar to the effects of nearby Gly substitutions (PMID: 29990383); Not observed at significant frequency in large population cohorts (gnomAD); In silico analysis supports that this missense variant has a deleterious effect on protein structure/function; Located in the Gly-Xaa-Yaa triple helical region of the pro-alpha1(I) chain encoded by the COL1A1 gene, where triplet glycine substitutions are the most common cause of osteogenesis imperfecta (OI). The effect of missense substitution at the X and Y positions are more difficult to predict; however, multiple variants that result in introduction of a Cys residue in pro-alpha1(I) have been reported to be pathogenic Dalgleish R. (1998) Nucleic Acids Res 26 (1):253-5 (PMID: 9399846); This variant is associated with the following publications: (PMID: 35306228, 34272483, 35982159, 29990383, 33057194, 35225118, 9399846)